The following is an entry in ClinVar:

ClinVar aggregate classification (germline): Uncertain significance (1 of 4 stars; one submission).

Conditions:
Dilated cardiomyopathy 1J (CMD1J). Also called: CARDIOMYOPATHY, DILATED, WITH SENSORINEURAL HEARING LOSS, AUTOSOMAL DOMINANT. Identifiers: Orphanet 217622, MedGen C1854368, MONDO:0011541, OMIM 605362.

Allele frequency attached by ClinVar (database versions not stated): gnomAD exomes below 0.00001 and 0.00001; ExAC 0.00001.
gnomAD v4.1: 7 of 1,613,470 alleles (0.00043%); highest among the groups gnomAD compares: Non-Finnish European, 0.00059%; no homozygotes.

Submission:

Labcorp Genetics (formerly Invitae), Labcorp
Classification: Uncertain significance for Dilated cardiomyopathy 1J. Last evaluated: 2021-11-29. Review status: criteria provided, single submitter. Criteria: Invitae Variant Classification Sherloc (09022015). Collection method: clinical testing. Allele origin: germline.
Comment: In summary, the available evidence is currently insufficient to determine the role of this variant in disease. Therefore, it has been classified as a Variant of Uncertain Significance. Algorithms developed to predict the effect of missense changes on protein structure and function output the following: SIFT: "Tolerated"; PolyPhen-2: "Benign"; Align-GVGD: "Class C0". The serine amino acid residue is found in multiple mammalian species, which suggests that this missense change does not adversely affect protein function. This variant has not been reported in the literature in individuals affected with EYA4-related conditions. This variant is present in population databases (rs779810823, gnomAD 0.0009%). This sequence change replaces asparagine, which is neutral and polar, with serine, which is neutral and polar, at codon 86 of the EYA4 protein (p.Asn86Ser).

NM_004100.5(EYA4):c.257A>G (p.Asn86Ser)

Gene: EYA4 (EYA transcriptional coactivator and phosphatase 4; plus strand). Cytogenetic location: 6q23.2.
Variant type: single nucleotide variant.
Coding change: c.257A>G on transcript NM_004100.5 (MANE Select); coding-DNA position 257, A replaced by G.
Protein change: p.Asn86Ser; replaces asparagine 86 with serine.
Molecular consequence: missense variant. On other transcripts: intron variant (4).
Genome position (GRCh38, 1-based): chr6:133,448,159, A>G. VCF-style: chr6-133448159-A-G. GRCh37 (hg19) VCF-style: chr6-133769297-A-G.
Other names: c.257A>G, p.Asn86Ser (NM_001301013.2, NM_172105.4); c.208+1405A>G (NM_001370458.1, NM_172103.4, NM_001370459.1 and 1 more transcripts); short protein forms N86S.
Identifiers: ClinVar variation 1417100 (VCV001417100.6), dbSNP rs779810823, ClinGen allele CA4007987.
Genomic context (GRCh38, chr6:133,448,159, plus strand): 5'-TCCTGTTCTCAGGGGAAAACATGACTGTTTTAAACACAGCAGACTGGTTGCTGAGTTGCA[A>G]CACCCCCTCTTCTGCAACAAGTATGAGAGATGCTGGTACACTGCATGTGTTTGGGTGTGT-3'
Protein context (NP_004091.3, residues 76-96): LNTADWLLSC[Asn86Ser]TPSSATMSLL